The following is an entry in ClinVar:

NM_000238.4(KCNH2):c.2146-3_2146-1delinsAA

Gene: KCNH2 (potassium voltage-gated channel subfamily H member 2; minus strand). Cytogenetic location: 7q36.1.
Variant type: Indel.
Coding change: c.2146-3_2146-1delinsAA on transcript NM_000238.4 (MANE Select); 3 bases into the intron before coding-DNA position 2146 through the canonical splice acceptor site of the intron before coding-DNA position 2146, CAG replaced by AA.
Molecular consequence: splice acceptor variant.
Genome position (GRCh38, 1-based): chr7:150,950,421-150,950,423, CTG replaced by TT on the plus strand (CAG replaced by AA on the coding strand, the reverse complement: KCNH2 is on the minus strand). VCF-style: chr7-150950421-CTG-TT. GRCh37 (hg19) VCF-style: chr7-150647509-CTG-TT.
Other names: c.1858-3_1858-1delinsAA (NM_001406753.1, NM_001406756.1); c.1126-3_1126-1delinsAA (NM_172057.3, NM_001204798.2); c.2146-3_2146-1delinsAA (NM_172056.3); c.1969-3_1969-1delinsAA (NM_001406755.1); c.1846-3_1846-1delinsAA (NM_001406757.1); c.2146-3_2146-1delCAGinsAA (NM_000238.3).
Identifiers: ClinVar variation 456902 (VCV000456902.10), dbSNP rs1554425320, ClinGen allele CA658656024.
Genomic context (GRCh38, chr7:150,950,421, plus strand): 5'-TGAGCGGTTCAGGTGCAGGCAGATGTCAGCCTGCAGGCACTCAGGGAAGCCCTTCAGCAC[CTG>TT]GGGGCAGGGTGGGGGCAGCTCAGCACACCCTCCCTTGGGACCCCCCAACCCACACTCTAC-3'

ClinVar aggregate classification (germline): Likely pathogenic (1 of 4 stars; one submission).

Conditions:
Long QT syndrome (LQTS). Identifiers: MedGen C0023976, MeSH D008133, MONDO:0002442. Disease mechanism: loss of function. Inheritance: Various modes of inheritance.

Submission:

Labcorp Genetics (formerly Invitae), Labcorp
Classification: Likely pathogenic for Long QT syndrome. Last evaluated: 2017-01-26. Review status: criteria provided, single submitter. Criteria: Invitae Variant Classification Sherloc (09022015). Collection method: clinical testing. Allele origin: germline.
Comment: In summary, donor and acceptor splice site variants are typically loss-of-function (PMID: 16199547), and loss-of-function variants in KCNH2 are known to be pathogenic (PMID: 19862833). However, without additional functional and/or genetic data, this variant has been classified as Likely Pathogenic. This variant has not been reported in the literature in individuals with a KCNH2-related disease. This variant is a complex sequence change that results in the deletion of 3 nucleotides and the insertion of 2 nucleotides. It affects an acceptor splice site in intron 8 of the KCNH2 gene. It is expected to disrupt RNA splicing and likely results in an absent or disrupted protein product.

Literature cited by the submitters: PubMed 16199547; PubMed 19862833.